The following is an entry in ClinVar:

NM_000155.4(GALT):c.508-24G>A

Gene: GALT (galactose-1-phosphate uridylyltransferase; plus strand). Cytogenetic location: 9p13.3.
Variant type: single nucleotide variant.
Coding change: c.508-24G>A on transcript NM_000155.4 (MANE Select); 24 bases into the intron before coding-DNA position 508, G replaced by A.
Molecular consequence: intron variant.
Genome position (GRCh38, 1-based): chr9:34,648,091, G>A. VCF-style: chr9-34648091-G-A. GRCh37 (hg19) VCF-style: chr9-34648088-G-A.
Other names: IVS5-24G>A; p.?; c.181-24G>A (NM_001258332.2).
Identifiers: ClinVar variation 25195 (VCV000025195.33), dbSNP rs41274867, ClinGen allele CA342594.

ClinVar aggregate classification (germline): Benign. Review status: reviewed by expert panel (3 of 4 stars). 17 submissions from 17 submitters: Benign (1). 16 of the submissions do not count toward it. Last evaluated 2026-06-23.

Conditions:
Galactosemia. Also called: Galactose intolerance. Identifiers: Orphanet 352, MedGen C0016952, MONDO:0018116, HP:0004919. Disease mechanism: loss of function.
Deficiency of UDPglucose-hexose-1-phosphate uridylyltransferase. Also called: GALACTOSE-1-PHOSPHATE URIDYLYLTRANSFERASE DEFICIENCY; Transferase Deficiency Galactosemia; GALACTOSEMIA I; GALT deficiency; Galactosemia, classic. Identifiers: Orphanet 352, Orphanet 79239, MedGen C0268151, MONDO:0009258, OMIM 230400.

Allele frequency attached by ClinVar (database versions not stated): 1000 Genomes Project 30x 0.04107; gnomAD 0.04620 and 0.04612; ExAC 0.05365; gnomAD exomes 0.05426 and 0.06142; TOPMed 0.04207; ESP Exome Variant Server 0.04583; 1000 Genomes Project 0.04153.

Submissions (17):

Clingen Galactosemia Variant Curation Expert Panel, ClinGen
Classification: Benign for Galactosemia. Last evaluated: 2026-06-23. Review status: reviewed by expert panel. Criteria: ClinGen Galactosemia ACMG Specifications GALT V1.1. Collection method: curation. Allele origin: germline. Inheritance: Autosomal recessive inheritance.
Comment: The c.508-24G>A variant (NM_000155.4) is an intronic variant that is not predicted by SpliceAI to impact splicing. In addition, it occurs at a nucleotide that is not predicted to be involved in splicing (BP4, BP7). The filtering allele frequency of the c.508-24G>A variant in GALT is 0.063 (6.3%) for South Asian chromosomes by gnomAD v4.1.0, which is higher than the ClinGen Galactosemia VCEP threshold (≥ 0.01 or 1%) for BA1, and therefore meets this criterion (BA1). In summary, this variant meets the criteria to be classified as benign for galactosemia based on the ACMG/AMP criteria applied, as specified by the ClinGen Galactosemia VCEP: BA1, BP4, BP7 (GALT specifications v1.0.0).

3billion
Classification: Benign for Deficiency of UDPglucose-hexose-1-phosphate uridylyltransferase. Last evaluated: 2026-01-26. Review status: criteria provided, single submitter. Criteria: ACMG Guidelines, 2015. Collection method: clinical testing. Allele origin: germline. Affected: yes. Not counted in ClinVar's aggregate classification.
Comment: The variant is observed at an allele frequency greater than expected for the associated disorder in the gnomAD v4.1.0 dataset. The variant is observed as homozygous in at least two unrelated individuals/adults in the gnomAD v4.1.0 dataset. Predicted Consequence/Location: Non coding variant The variant has been reported at least twice as pathogenic with clinical assertions and evidence for the classification (ClinVar ID: VCV000025111 /PMID: 25473725). Therefore, this variant is classified as Risk Allele according to the recommendation of ACMG/AMP guideline.

Labcorp Genetics (formerly Invitae), Labcorp
Classification: Benign for Deficiency of UDPglucose-hexose-1-phosphate uridylyltransferase. Last evaluated: 2025-10-01. Review status: criteria provided, single submitter. Criteria: Invitae Variant Classification Sherloc (09022015). Collection method: clinical testing. Allele origin: germline. Not counted in ClinVar's aggregate classification.

Blueprint Genetics
Classification: Likely benign. Last evaluated: 2024-11-27. Review status: criteria provided, single submitter. Criteria: ACMG Guidelines, 2015. Collection method: clinical testing. Allele origin: germline. Not counted in ClinVar's aggregate classification.

Genome-Nilou Lab
Classification: Benign for Deficiency of UDPglucose-hexose-1-phosphate uridylyltransferase. Last evaluated: 2021-07-01. Review status: criteria provided, single submitter. Criteria: ACMG Guidelines, 2015. Collection method: clinical testing. Allele origin: germline. Affected: no. Not counted in ClinVar's aggregate classification.

Mendelics
Classification: Benign for Deficiency of UDPglucose-hexose-1-phosphate uridylyltransferase. Last evaluated: 2019-05-28. Review status: criteria provided, single submitter. Criteria: Mendelics Assertion Criteria 2017. Collection method: clinical testing. Allele origin: unknown. Not counted in ClinVar's aggregate classification.

Mayo Clinic Laboratories, Mayo Clinic
Classification: Benign. Last evaluated: 2019-02-07. Review status: criteria provided, single submitter. Criteria: ACMG Guidelines, 2015. Collection method: clinical testing. Allele origin: germline. Observed: 432 variant alleles. Not counted in ClinVar's aggregate classification.

GeneDx
Classification: Benign. Last evaluated: 2018-12-04. Review status: criteria provided, single submitter. Criteria: GeneDx Variant Classification Process June 2021. Collection method: clinical testing. Allele origin: germline. Affected: yes. Not counted in ClinVar's aggregate classification.
Comment: This variant is associated with the following publications: (PMID: 25592817)

ARUP Laboratories, Molecular Genetics and Genomics, ARUP Laboratories
Classification: Benign for Deficiency of UDPglucose-hexose-1-phosphate uridylyltransferase. Last evaluated: 2018-07-06. Review status: criteria provided, single submitter. Criteria: ARUP Molecular Germline Variant Investigation Process. Collection method: clinical testing. Allele origin: germline. Not counted in ClinVar's aggregate classification.

Women's Health and Genetics/Laboratory Corporation of America, LabCorp
Classification: Benign for Galactosemia. Last evaluated: 2011-08-18. Review status: criteria provided, single submitter. Criteria: LabCorp Variant Classification Summary - May 2015. Collection method: curation. Allele origin: germline. Inheritance: autosomal unknown. Affected: yes. Not counted in ClinVar's aggregate classification.
ClinVar note: Converted during submission from benign to Benign.

Breakthrough Genomics
Classification: Benign. Review status: criteria provided, single submitter. Criteria: ACMG Guidelines, 2015. Collection method: not provided. Allele origin: germline. Inheritance: Autosomal recessive inheritance. Affected: yes. Not counted in ClinVar's aggregate classification.

PreventionGenetics, part of Exact Sciences
Classification: Benign. Review status: criteria provided, single submitter. Criteria: ACMG Guidelines, 2015. Collection method: clinical testing. Allele origin: germline. Not counted in ClinVar's aggregate classification.

Natera, Inc.
Classification: Benign for Galactosemia. Last evaluated: 2020-09-16. Review status: no assertion criteria provided. Collection method: clinical testing. Allele origin: germline. Not counted in ClinVar's aggregate classification.

GeneReviews
No classification provided. Condition: Deficiency of UDPglucose-hexose-1-phosphate uridylyltransferase. Review status: no classification provided. Collection method: literature only. Allele origin: germline. Affected: yes. Not counted in ClinVar's aggregate classification.

Genome Diagnostics Laboratory, University Medical Center Utrecht
Classification: Benign. Review status: no assertion criteria provided. Collection method: clinical testing. Allele origin: germline. Affected: yes. Study: VKGL Data-share Consensus. Not counted in ClinVar's aggregate classification.

Joint Genome Diagnostic Labs from Nijmegen and Maastricht, Radboudumc and MUMC+
Classification: Benign. Review status: no assertion criteria provided. Collection method: clinical testing. Allele origin: germline. Affected: yes. Study: VKGL Data-share Consensus. Not counted in ClinVar's aggregate classification.

Genomic Medicine Center of Excellence, King Faisal Specialist Hospital and Research Centre
Classification: Likely pathogenic for Deficiency of UDPglucose-hexose-1-phosphate uridylyltransferase. Last evaluated: 2025-09-10. Review status: flagged submission. Criteria: ACMG Guidelines, 2015. Collection method: clinical testing. Allele origin: germline. Not counted in ClinVar's aggregate classification.
ClinVar note: Reason: Outlier claim with insufficient supporting evidence

Literature cited by the submitters: PubMed 19224951 (cited by Women's Health and Genetics/Laboratory Corporation of America, LabCorp); PubMed 15749517 (cited by Women's Health and Genetics/Laboratory Corporation of America, LabCorp); PubMed 10408771 (cited by Women's Health and Genetics/Laboratory Corporation of America, LabCorp); NCBI Bookshelf NBK258640 (cited by GeneReviews).